The following is an entry in ClinVar:

NM_000631.5(NCF4):c.23G>A (p.Arg8Gln)

Genes: NCF4 (neutrophil cytosolic factor 4; plus strand), NCF4-AS1 (NCF4 antisense RNA 1; minus strand). Cytogenetic location: 22q12.3.
Variant type: single nucleotide variant.
Coding change: c.23G>A on transcript NM_000631.5 (MANE Select); coding-DNA position 23, G replaced by A.
Protein change: p.Arg8Gln; replaces arginine 8 with glutamine.
Molecular consequence: missense variant.
Genome position (GRCh38, 1-based): chr22:36,861,194, G>A. VCF-style: chr22-36861194-G-A. GRCh37 (hg19) VCF-style: chr22-37257236-G-A.
Other names: c.23G>A (NM_013416.3); c.23G>A, p.Arg8Gln (NM_013416.4); short protein forms R8Q.
Identifiers: ClinVar variation 1499091 (VCV001499091.7), dbSNP rs762576326, ClinGen allele CA10212793.

ClinVar aggregate classification (germline): Uncertain significance. Review status: criteria provided, multiple submitters, no conflicts (2 of 4 stars). 2 submissions from 2 submitters: Uncertain significance (2). Last evaluated 2025-08-21.

Conditions:
Granulomatous disease, chronic, autosomal recessive, cytochrome b-positive, type 3. Also called: Granulomatous disease, chronic, autosomal recessive, cytochrome b-positive, type III; GRANULOMATOUS DISEASE, CHRONIC, AUTOSOMAL RECESSIVE, 3; CGD, AUTOSOMAL RECESSIVE CYTOCHROME b-POSITIVE, TYPE III; GRANULOMATOUS DISEASE, CHRONIC, DUE TO NCF4 DEFICIENCY. Identifiers: Orphanet 379, MedGen C3151409, MONDO:0013507, OMIM 613960.

Allele frequency attached by ClinVar (database versions not stated): TOPMed 0.00004; gnomAD 0.00005; ExAC 0.00006.
gnomAD v4.1: 64 of 1,551,478 alleles (0.0041%); highest among the groups gnomAD compares: South Asian, 0.012%; no homozygotes.

Submissions (2):

Ambry Genetics
Classification: Uncertain significance. Last evaluated: 2025-08-21. Review status: criteria provided, single submitter. Criteria: Ambry Variant Classification Scheme 2023. Collection method: clinical testing. Allele origin: germline.

Labcorp Genetics (formerly Invitae), Labcorp
Classification: Uncertain significance for Granulomatous disease, chronic, autosomal recessive, cytochrome b-positive, type 3. Last evaluated: 2023-05-15. Review status: criteria provided, single submitter. Criteria: Invitae Variant Classification Sherloc (09022015). Collection method: clinical testing. Allele origin: germline.
Comment: In summary, the available evidence is currently insufficient to determine the role of this variant in disease. Therefore, it has been classified as a Variant of Uncertain Significance. An algorithm developed to predict the effect of missense changes on protein structure and function (PolyPhen-2) suggests that this variant¬† is likely to be tolerated. ClinVar contains an entry for this variant (Variation ID: 1499091). This variant has not been reported in the literature in individuals affected with NCF4-related conditions. This variant is present in population databases (rs762576326, gnomAD 0.02%). This sequence change replaces arginine, which is basic and polar, with glutamine, which is neutral and polar, at codon 8 of the NCF4 protein (p.Arg8Gln).